The following is an entry in ClinVar:

ClinVar aggregate classification (germline): Likely benign. Review status: criteria provided, multiple submitters, no conflicts (2 of 4 stars). 2 submissions from 2 submitters: Likely benign (2). Last evaluated 2026-03-01.

gnomAD v4.1: 268 of 1,575,762 alleles (0.017%); highest among the groups gnomAD compares: Admixed American, 0.48%; 2 homozygotes.

Submissions (2):

CeGaT Center for Human Genetics Tuebingen
Classification: Likely benign. Last evaluated: 2026-03-01. Review status: criteria provided, single submitter. Criteria: CeGaT Center For Human Genetics Tuebingen Variant Classification Criteria Version 2. Collection method: clinical testing. Allele origin: germline. Affected: yes. Observed: 2 variant alleles.
Comment: KCNT2: BP4, BS1

Blueprint Genetics
Classification: Likely benign. Last evaluated: 2021-05-11. Review status: criteria provided, single submitter. Criteria: ACMG Guidelines, 2015. Collection method: clinical testing. Allele origin: germline.

NM_198503.5(KCNT2):c.639-7T>C

Gene: KCNT2 (potassium sodium-activated channel subfamily T member 2; minus strand). Cytogenetic location: 1q31.3.
Variant type: single nucleotide variant.
Coding change: c.639-7T>C on transcript NM_198503.5 (MANE Select); 7 bases into the intron before coding-DNA position 639, T replaced by C.
Molecular consequence: intron variant.
Genome position (GRCh38, 1-based): chr1:196,429,764, A>G on the plus strand (T>C on the coding strand, the complement: KCNT2 is on the minus strand). VCF-style: chr1-196429764-A-G. GRCh37 (hg19) VCF-style: chr1-196398894-A-G.
Other names: c.639-7T>C (NM_001287820.3, NM_001287819.3).
Identifiers: ClinVar variation 4821274 (VCV004821274.5).
Genomic context (GRCh38, chr1:196,429,764, plus strand): 5'-TCAAAGAGATTCAGCTTCTTTCCTATTCGTTCCAGATGTTGGATCCCACAAATGCTAAAG[A>G]AACAAATATGCATTACAATTAAATCTTTCAAACTGGACACATAATTTCTCATCATTATTC-3'